The following is an entry in ClinVar:

NM_000059.4(BRCA2):c.7397_7398delinsCT (p.Val2466Ala)

Gene: BRCA2 (BRCA2 DNA repair associated; plus strand). Cytogenetic location: 13q13.1.
Variant type: Indel.
Coding change: c.7397_7398delinsCT on transcript NM_000059.4 (MANE Select); coding-DNA positions 7397 to 7398, TA replaced by CT.
Protein change: p.Val2466Ala; replaces valine 2466 with alanine.
Molecular consequence: missense variant.
Genome position (GRCh38, 1-based): chr13:32,355,250-32,355,251, TA replaced by CT. VCF-style: chr13-32355250-TA-CT. GRCh37 (hg19) VCF-style: chr13-32929387-TA-CT.
Other names: short protein forms V2466A.
Identifiers: ClinVar variation 2849377 (VCV002849377.4), dbSNP rs2137558752, ClinGen allele CA2739277510.
Genomic context (GRCh38, chr13:32,355,250, plus strand): 5'-AAAATAAGATTAATGACAATGAGATTCATCAGTTTAACAAAAACAACTCCAATCAAGCAG[TA>CT]GCTGTAACTTTCACAAAGTGTGAAGAAGAACCTTTAGGTATTGTATGACAATTTGTGTGA-3'
Protein context (NP_000050.3, residues 2456-2476): QFNKNNSNQA[Val2466Ala]AVTFTKCEEE

ClinVar aggregate classification (germline): Likely benign. Review status: criteria provided, multiple submitters, no conflicts (2 of 4 stars). 2 submissions from 2 submitters: Likely benign (2). Last evaluated 2024-06-03.

Conditions:
Hereditary breast ovarian cancer syndrome. Also called: Hereditary breast and ovarian cancer syndrome (HBOC); Hereditary breast and ovarian cancer syndrome; Breast and ovarian cancer; BRCA1- and BRCA2-Associated Hereditary Breast and Ovarian Cancer; Hereditary breast and ovarian cancer; Hereditary breast and/or ovarian cancer syndrome. Identifiers: Orphanet 145, MedGen C0677776, MeSH D061325, MONDO:0003582. Disease mechanism: loss of function.

Submissions (2):

Women's Health and Genetics/Laboratory Corporation of America, LabCorp
Classification: Likely benign. Last evaluated: 2024-06-03. Review status: criteria provided, single submitter. Criteria: LabCorp Variant Classification Summary - May 2015. Collection method: clinical testing. Allele origin: germline.
Comment: Variant summary: BRCA2 c.7397_7398delinsCT (p.Val2466Ala) results in a non-conservative amino acid change in the encoded protein sequence. Three of four in-silico tools predict a benign effect of the variant on protein function. A missense variant resulting in the same amino acid change (c.7397T>C, p.Val2466Ala) was found at a frequency of 1 in 1613598 control chromosomes. The observed variant frequency is approximately 1300 fold of the estimated maximal expected allele frequency for a pathogenic variant in BRCA2 causing Hereditary Breast And Ovarian Cancer Syndrome phenotype (0.00075). To our knowledge, no occurrence of c.7397_7398delinsCT in individuals affected with Hereditary Breast And Ovarian Cancer Syndrome and no experimental evidence demonstrating its impact on protein function have been reported. ClinVar contains an entry for this variant (Variation ID: 2849377). Based on the evidence outlined above, the variant was classified as likely benign.

Labcorp Genetics (formerly Invitae), Labcorp
Classification: Likely benign for Hereditary breast ovarian cancer syndrome. Last evaluated: 2021-06-23. Review status: criteria provided, single submitter. Criteria: Invitae Variant Classification Sherloc (09022015). Collection method: clinical testing. Allele origin: germline.